The following is an entry in ClinVar:

NM_001385449.1(RTL9):c.888C>G (p.Thr296=)

Gene: RTL9 (retrotransposon Gag like 9; plus strand). Cytogenetic location: Xq23.
Variant type: single nucleotide variant.
Coding change: c.888C>G on transcript NM_001385449.1 (MANE Select); coding-DNA position 888, C replaced by G.
Protein change: p.Thr296=; no amino-acid change (threonine 296 retained).
Molecular consequence: synonymous variant.
Genome position (GRCh38, 1-based): chrX:110,451,505, C>G. VCF-style: chrX-110451505-C-G. GRCh37 (hg19) VCF-style: chrX-109694733-C-G.
Other names: c.888C>G, p.Thr296= (NM_020769.2).
Identifiers: ClinVar variation 2661195 (VCV002661195.24), dbSNP rs911288716, ClinGen allele CA334343454.

ClinVar aggregate classification (germline): Likely benign (1 of 4 stars; one submission).

Allele frequency attached by ClinVar (database versions not stated): gnomAD exomes 0.00001; TOPMed 0.00001.
gnomAD v4.1: 9 of 1,211,924 alleles (0.00074%); highest among the groups gnomAD compares: Middle Eastern, 0.023%; no homozygotes.

Submission:

CeGaT Center for Human Genetics Tuebingen
Classification: Likely benign. Last evaluated: 2023-02-01. Review status: criteria provided, single submitter. Criteria: CeGaT Center For Human Genetics Tuebingen Variant Classification Criteria Version 2. Collection method: clinical testing. Allele origin: germline. Affected: yes. Observed: 2 variant alleles.
Comment: RTL9: BP4, BP7